The following is an entry in ClinVar:

NM_014727.3(KMT2B):c.1106A>G (p.Lys369Arg)

Gene: KMT2B (lysine methyltransferase 2B; plus strand). Cytogenetic location: 19q13.12.
Variant type: single nucleotide variant.
Coding change: c.1106A>G on transcript NM_014727.3 (MANE Select); coding-DNA position 1106, A replaced by G.
Protein change: p.Lys369Arg; replaces lysine 369 with arginine.
Molecular consequence: missense variant.
Genome position (GRCh38, 1-based): chr19:35,720,453, A>G. VCF-style: chr19-35720453-A-G. GRCh37 (hg19) VCF-style: chr19-36211355-A-G.
Other names: short protein forms K369R.
Identifiers: ClinVar variation 1999870 (VCV001999870.5), dbSNP rs369065472, ClinGen allele CA307782607.

ClinVar aggregate classification (germline): Uncertain significance. Review status: criteria provided, multiple submitters, no conflicts (2 of 4 stars). 2 submissions from 2 submitters: Uncertain significance (2). Last evaluated 2023-08-10.

Conditions:
Inborn genetic diseases. Identifiers: MedGen C0950123, MeSH D030342.

Allele frequency attached by ClinVar (database versions not stated): TOPMed below 0.00001; gnomAD exomes 0.00002; ESP Exome Variant Server 0.00008.
gnomAD v4.1: 24 of 1,540,902 alleles (0.0016%); highest among the groups gnomAD compares: Non-Finnish European, 0.002%; no homozygotes.

Submissions (2):

Labcorp Genetics (formerly Invitae), Labcorp
Classification: Uncertain significance. Last evaluated: 2023-08-10. Review status: criteria provided, single submitter. Criteria: Invitae Variant Classification Sherloc (09022015). Collection method: clinical testing. Allele origin: germline.
Comment: In summary, the available evidence is currently insufficient to determine the role of this variant in disease. Therefore, it has been classified as a Variant of Uncertain Significance. Advanced modeling of protein sequence and biophysical properties (such as structural, functional, and spatial information, amino acid conservation, physicochemical variation, residue mobility, and thermodynamic stability) performed at Invitae indicates that this missense variant is not expected to disrupt KMT2B protein function. ClinVar contains an entry for this variant (Variation ID: 1999870). This variant has not been reported in the literature in individuals affected with KMT2B-related conditions. The frequency data for this variant in the population databases is considered unreliable, as metrics indicate poor data quality at this position in the gnomAD database. This sequence change replaces lysine, which is basic and polar, with arginine, which is basic and polar, at codon 369 of the KMT2B protein (p.Lys369Arg).

Ambry Genetics
Classification: Uncertain significance for Inborn genetic diseases. Last evaluated: 2022-11-18. Review status: criteria provided, single submitter. Criteria: Ambry Variant Classification Scheme 2023. Collection method: clinical testing. Allele origin: germline.